The following is an entry in ClinVar:

NM_001267550.2(TTN):c.103948C>A (p.Pro34650Thr)

Genes: TTN-AS1 (TTN antisense RNA 1; plus strand), TTN (titin; minus strand). Cytogenetic location: 2q31.2.
Variant type: single nucleotide variant.
Coding change: c.103948C>A on transcript NM_001267550.2 (MANE Select); coding-DNA position 103948, C replaced by A.
Protein change: p.Pro34650Thr; replaces proline 34650 with threonine.
Molecular consequence: missense variant.
Genome position (GRCh38, 1-based): chr2:178,532,667, G>T on the plus strand (C>A on the coding strand, the complement: TTN is on the minus strand). VCF-style: chr2-178532667-G-T. GRCh37 (hg19) VCF-style: chr2-179397394-G-T.
Other names: c.99025C>A, p.Pro33009Thr (NM_001256850.1); c.76753C>A, p.Pro25585Thr (NM_003319.4); c.96244C>A, p.Pro32082Thr (NM_133378.4); c.77128C>A, p.Pro25710Thr (NM_133432.3); c.77329C>A, p.Pro25777Thr (NM_133437.4); short protein forms P25585T, P25710T, P25777T, P32082T, P33009T, P34650T.
Identifiers: ClinVar variation 999266 (VCV000999266.7), dbSNP rs879134298, ClinGen allele CA60956586.

ClinVar aggregate classification (germline): Uncertain significance (1 of 4 stars; one submission).

Conditions:
Dilated cardiomyopathy 1G (CMD1G). Identifiers: Orphanet 154, MedGen C1858763, MONDO:0011400, OMIM 604145.
Autosomal recessive limb-girdle muscular dystrophy type 2J (LGMDR10). Also called: Limb-girdle muscular dystrophy, type 2J; MUSCULAR DYSTROPHY, LIMB-GIRDLE, AUTOSOMAL RECESSIVE 10. Identifiers: Orphanet 140922, MedGen C1837342, MONDO:0012127, OMIM 608807.

Allele frequency attached by ClinVar (database versions not stated): TOPMed below 0.00001.

Submission:

Labcorp Genetics (formerly Invitae), Labcorp
Classification: Uncertain significance for Dilated cardiomyopathy 1G; Autosomal recessive limb-girdle muscular dystrophy type 2J. Last evaluated: 2020-05-21. Review status: criteria provided, single submitter. Criteria: Invitae Variant Classification Sherloc (09022015). Collection method: clinical testing. Allele origin: germline.
Comment: Algorithms developed to predict the effect of missense changes on protein structure and function are unavailable for the TTN gene. This variant is located in the M band of TTN (PMID: 25589632). Variants in this region may be relevant for neuromuscular disorders, but have not been definitively shown to cause cardiomyopathy (PMID: 23975875). In summary, the available evidence is currently insufficient to determine the role of this variant in disease. Therefore, it has been classified as a Variant of Uncertain Significance. This variant has not been reported in the literature in individuals with TTN-related conditions. This variant is not present in population databases (ExAC no frequency). This sequence change replaces proline with threonine at codon 34650 of the TTN protein (p.Pro34650Thr). There is a small physicochemical difference between proline and threonine.

Literature cited by the submitters: PubMed 25589632; PubMed 23975875.